The following is an entry in ClinVar:

NM_017588.3(WDR5):c.831C>T (p.Gly277=)

Gene: WDR5 (WD repeat domain 5; plus strand). Cytogenetic location: 9q34.2.
Variant type: single nucleotide variant.
Coding change: c.831C>T on transcript NM_017588.3 (MANE Select); coding-DNA position 831, C replaced by T.
Protein change: p.Gly277=; no amino-acid change (glycine 277 retained).
Molecular consequence: synonymous variant.
Genome position (GRCh38, 1-based): chr9:134,156,520, C>T. VCF-style: chr9-134156520-C-T. GRCh37 (hg19) VCF-style: chr9-137021642-C-T.
Other names: c.831C>T, p.Gly277= (NM_001384409.1, NM_001384410.1, NM_001384411.1 and 5 more transcripts); c.828C>T, p.Gly276= (NM_001384416.1); c.822C>T, p.Gly274= (NM_001384417.1); c.702C>T, p.Gly234= (NM_001384418.1, NM_001384419.1).
Identifiers: ClinVar variation 3777988 (VCV003777988.7).

ClinVar aggregate classification (germline): Likely benign (1 of 4 stars; one submission).

gnomAD v4.1: 73 of 1,614,116 alleles (0.0045%); highest among the groups gnomAD compares: African/African-American, 0.04%; no homozygotes.

Submission:

CeGaT Center for Human Genetics Tuebingen
Classification: Likely benign. Last evaluated: 2025-03-01. Review status: criteria provided, single submitter. Criteria: CeGaT Center For Human Genetics Tuebingen Variant Classification Criteria Version 2. Collection method: clinical testing. Allele origin: germline. Affected: yes. Observed: 1 variant allele.
Comment: WDR5: BP4, BP7